The following is an entry in ClinVar:

ClinVar aggregate classification (germline): Uncertain significance (1 of 4 stars; one submission).

Conditions:
Oligodontia-cancer predisposition syndrome. Also called: TOOTH AGENESIS-COLORECTAL CANCER SYNDROME. Identifiers: Orphanet 300576, MedGen C1837750, MONDO:0012075, OMIM 608615. Disease mechanism: loss of function.

Submission:

Labcorp Genetics (formerly Invitae), Labcorp
Classification: Uncertain significance for Oligodontia-cancer predisposition syndrome. Last evaluated: 2019-12-27. Review status: criteria provided, single submitter. Criteria: Invitae Variant Classification Sherloc (09022015). Collection method: clinical testing. Allele origin: germline.
Comment: Algorithms developed to predict the effect of missense changes on protein structure and function output the following: SIFT: "Tolerated"; PolyPhen-2: "Benign"; Align-GVGD: "Class C0". The alanine amino acid residue is found in multiple mammalian species, suggesting that this missense change does not adversely affect protein function. These predictions have not been confirmed by published functional studies and their clinical significance is uncertain. This variant has not been reported in the literature in individuals with AXIN2-related conditions. This variant is not present in population databases (ExAC no frequency). This sequence change replaces threonine with alanine at codon 732 of the AXIN2 protein (p.Thr732Ala). The threonine residue is weakly conserved and there is a small physicochemical difference between threonine and alanine. In summary, the available evidence is currently insufficient to determine the role of this variant in disease. Therefore, it has been classified as a Variant of Uncertain Significance.

NM_004655.4(AXIN2):c.2194A>G (p.Thr732Ala)

Gene: AXIN2 (axin 2; minus strand). Cytogenetic location: 17q24.1.
Variant type: single nucleotide variant.
Coding change: c.2194A>G on transcript NM_004655.4 (MANE Select); coding-DNA position 2194, A replaced by G.
Protein change: p.Thr732Ala; replaces threonine 732 with alanine.
Molecular consequence: missense variant.
Genome position (GRCh38, 1-based): chr17:65,535,669, T>C on the plus strand (A>G on the coding strand, the complement: AXIN2 is on the minus strand). VCF-style: chr17-65535669-T-C. GRCh37 (hg19) VCF-style: chr17-63531787-T-C.
Other names: c.1999A>G, p.Thr667Ala (NM_001363813.1); short protein forms T667A, T732A.
Identifiers: ClinVar variation 837657 (VCV000837657.10), dbSNP rs1598095806, ClinGen allele CA400675776.